The following is an entry in ClinVar:

NM_001453.3(FOXC1):c.392C>T (p.Ser131Leu)

Gene: FOXC1 (forkhead box C1; plus strand). Cytogenetic location: 6p25.3.
Variant type: single nucleotide variant.
Coding change: c.392C>T on transcript NM_001453.3 (MANE Select); coding-DNA position 392, C replaced by T.
Protein change: p.Ser131Leu; replaces serine 131 with leucine.
Molecular consequence: missense variant.
Genome position (GRCh38, 1-based): chr6:1,610,837, C>T. VCF-style: chr6-1610837-C-T. GRCh37 (hg19) VCF-style: chr6-1611072-C-T.
Other names: c.392C>T (NM_001453.2); short protein forms S131L.
Identifiers: ClinVar variation 8452 (VCV000008452.7), dbSNP rs104893957, ClinGen allele CA119632.

ClinVar aggregate classification (germline): Pathogenic/Likely pathogenic. Review status: criteria provided, multiple submitters, no conflicts (2 of 4 stars). 5 submissions from 5 submitters: Pathogenic (3); Likely pathogenic (1). 1 of the submissions does not count toward it. Last evaluated 2026-04-16.

Conditions:
FOXC1-related disorders.
Inborn genetic diseases. Identifiers: MedGen C0950123, MeSH D030342.
Anterior segment dysgenesis 3 (ASGD3). Also called: IRIDOGONIODYSGENESIS ANOMALY, AUTOSOMAL DOMINANT; Glaucoma iridogoniodysplasia, familial. Identifiers: Orphanet 91483, MedGen C5975707, MONDO:0024456, OMIM 601631.
Axenfeld-Rieger syndrome type 3 (RIEG3). Also called: AXENFELD-RIEGER ANOMALY WITH CARDIAC DEFECTS AND/OR SENSORINEURAL HEARING LOSS. Identifiers: Orphanet 782, MedGen C2678503, MONDO:0011233, OMIM 602482.

Submissions (5):

GeneDx
Classification: Pathogenic. Last evaluated: 2026-04-16. Review status: criteria provided, single submitter. Criteria: GeneDx Variant Classification Process June 2021. Collection method: clinical testing. Allele origin: germline.
Comment: Published functional studies demonstrate a damaging effect [p.(S131L) significantly reduces FOXC1 binding and activation compared to controls] (PMID: 11179011); Not observed at significant frequency in large population cohorts (gnomAD); In silico analysis supports that this missense variant has a deleterious effect on protein structure/function; This variant is associated with the following publications: (PMID: 28575017, 20881294, 34741396, 9620769, 40481210, 27013732, 19668217, 24556684, 11179011, 34745210)

Ambry Genetics
Classification: Likely pathogenic for Inborn genetic diseases. Last evaluated: 2025-10-17. Review status: criteria provided, single submitter. Criteria: Ambry Variant Classification Scheme 2023. Collection method: clinical testing. Allele origin: germline.
Comment: The c.392C>T (p.S131L) alteration is located in exon 1 (coding exon 1) of the FOXC1 gene. This alteration results from a C to T substitution at nucleotide position 392, causing the serine (S) at amino acid position 131 to be replaced by a leucine (L). This variant was not reported in population-based cohorts in the Genome Aggregation Database (gnomAD). This variant was identified in one or more individuals with features consistent with FOXC1-related Axenfeld-Rieger syndrome (Nishimura, 1998; Nishimura, 2001; Zhang, 2021; Wang, 2022) and segregated with disease in at least one family (Nishimura, 1998; Wang, 2022). Another variant at the same codon, c.392C>G (p.S131W), has been identified in individual(s) with features consistent with FOXC1-related Axenfeld-Rieger syndrome (D'haene, 2011). This amino acid position is highly conserved in available vertebrate species. In multiple assays testing FOXC1 function, this variant showed functionally abnormal results (Ito, 2014, Wang, 2022). This alteration is predicted to be deleterious by in silico analysis. Based on the available evidence, this alteration is classified as likely pathogenic.

Labcorp Genetics (formerly Invitae), Labcorp
Classification: Pathogenic for Axenfeld-Rieger syndrome type 3. Last evaluated: 2023-01-31. Review status: criteria provided, single submitter. Criteria: Invitae Variant Classification Sherloc (09022015). Collection method: clinical testing. Allele origin: germline.
Comment: This sequence change replaces serine, which is neutral and polar, with leucine, which is neutral and non-polar, at codon 131 of the FOXC1 protein (p.Ser131Leu). This variant is not present in population databases (gnomAD no frequency). For these reasons, this variant has been classified as Pathogenic. Experimental studies have shown that this missense change affects FOXC1 function (PMID: 24556684, 34741396). Algorithms developed to predict the effect of missense changes on protein structure and function (SIFT, PolyPhen-2, Align-GVGD) all suggest that this variant is likely to be disruptive. ClinVar contains an entry for this variant (Variation ID: 8452). This missense change has been observed in individuals with FOXC1-related conditions (PMID: 9620769, 34741396, 34745210). It has also been observed to segregate with disease in related individuals.

Blueprint Genetics
Classification: Pathogenic for FOXC1-related disorders. Last evaluated: 2022-08-27. Review status: criteria provided, single submitter. Criteria: ACMG Guidelines, 2015. Collection method: clinical testing. Allele origin: germline. Affected: yes. Observed: 1 variant allele.

OMIM
Classification: Pathogenic for ANTERIOR SEGMENT DYSGENESIS 3, RIEGER SUBTYPE. Last evaluated: 1998-06-01. Review status: no assertion criteria provided. Collection method: literature only. Allele origin: germline. Not counted in ClinVar's aggregate classification.

Literature cited by the submitters: PubMed 9620769 (cited by 3 submitters); PubMed 11170889 (cited by Ambry Genetics); PubMed 20881294 (cited by Ambry Genetics); PubMed 24556684 (cited by Ambry Genetics and Labcorp Genetics (formerly Invitae), Labcorp); PubMed 34741396 (cited by Ambry Genetics and Labcorp Genetics (formerly Invitae), Labcorp); PubMed 34745210 (cited by Ambry Genetics and Labcorp Genetics (formerly Invitae), Labcorp).